The following is an entry in ClinVar:

ClinVar aggregate classification (germline): Uncertain significance (1 of 4 stars; one submission).

gnomAD v4.1: 2 of 1,611,788 alleles (0.00012%); highest among the groups gnomAD compares: South Asian, 0.0011%; no homozygotes.

Submission:

Ambry Genetics
Classification: Uncertain significance. Last evaluated: 2025-02-08. Review status: criteria provided, single submitter. Criteria: Ambry Variant Classification Scheme 2023. Collection method: clinical testing. Allele origin: germline.
Comment: The p.V859L variant (also known as c.2575G>C), located in coding exon 11 of the WNK2 gene, results from a G to C substitution at nucleotide position 2575. The valine at codon 859 is replaced by leucine, an amino acid with highly similar properties. This amino acid position is conserved. In addition, the in silico prediction for this alteration is inconclusive. Based on the available evidence, the clinical significance of this variant remains unclear.

NM_006648.4(WNK2):c.2575G>C (p.Val859Leu)

Gene: WNK2 (WNK lysine deficient protein kinase 2; plus strand). Cytogenetic location: 9q22.31.
Variant type: single nucleotide variant.
Coding change: c.2575G>C on transcript NM_006648.4 (MANE Select); coding-DNA position 2575, G replaced by C.
Protein change: p.Val859Leu; replaces valine 859 with leucine.
Molecular consequence: missense variant.
Genome position (GRCh38, 1-based): chr9:93,259,123, G>C. VCF-style: chr9-93259123-G-C. GRCh37 (hg19) VCF-style: chr9-96021405-G-C.
Other names: c.2575G>C, p.Val859Leu (NM_001282394.3); short protein forms V859L.
Identifiers: ClinVar variation 3817045 (VCV003817045.1).